The following is an entry in ClinVar:

NM_001291415.2(KDM6A):c.49_51dup (p.Ala17_Phe18insAla)

Gene: KDM6A (lysine demethylase 6A; plus strand). Cytogenetic location: Xp11.3.
Variant type: Duplication.
Coding change: c.49_51dup on transcript NM_001291415.2 (MANE Select); coding-DNA positions 49 to 51, 3 bases duplicated (GCT; older notation c.49_51dupGCT).
Protein change: p.Ala17_Phe18insAla.
Molecular consequence: inframe insertion. On other transcripts: 5 prime UTR variant (1), non-coding transcript variant (1).
Genome position (GRCh38, 1-based): chrX:44,873,600-44,873,602, GCT duplicated. VCF-style (leftmost placement, unchanged base first): chrX-44873599-C-CGCT. GRCh37 (hg19) VCF-style: chrX-44732845-C-CGCT.
Other names: c.49_51dup, p.Ala17_Phe18insAla (NM_001291416.2, NM_001291417.2, NM_001291418.2 and 9 more transcripts); c.-584_-582dup (NM_001291421.2).
Identifiers: ClinVar variation 4808741 (VCV004808741.1).
Genomic context (GRCh38, chrX:44,873,599, plus strand): 5'-TCGCTGCGTTTCCATGAAATCCTGCGGAGTGTCGCTCGCTACCGCCGCCGCTGCCGCCGC[C>CGCT]GCTTTCGGTGATGAGGAAAAGAAAATGGCGGCGGGAAAAGCGAGCGGCGAGAGCGAGGAG-3'

ClinVar aggregate classification (germline): Uncertain significance (1 of 4 stars; one submission).

Conditions:
Kabuki syndrome 2 (KABUK2). Also called: KDM6A-Related Kabuki Syndrome. Identifiers: Orphanet 2322, MedGen C3275495, MONDO:0010465, OMIM 300867.

Submission:

Labcorp Genetics (formerly Invitae), Labcorp
Classification: Uncertain significance for Kabuki syndrome 2. Last evaluated: 2025-11-25. Review status: criteria provided, single submitter. Criteria: Invitae Variant Classification Sherloc (09022015). Collection method: clinical testing. Allele origin: germline.
Comment: This variant, c.49_51dup, results in the insertion of 1 amino acid(s) of the KDM6A protein (p.Ala17dup), but otherwise preserves the integrity of the reading frame. This variant is not present in population databases (gnomAD no frequency). This variant has not been reported in the literature in individuals affected with KDM6A-related conditions. In summary, the available evidence is currently insufficient to determine the role of this variant in disease. Therefore, it has been classified as a Variant of Uncertain Significance.